The following is an entry in ClinVar:

NM_001035.3(RYR2):c.3599-7T>A

Gene: RYR2 (ryanodine receptor 2; plus strand). Cytogenetic location: 1q43.
Variant type: single nucleotide variant.
Coding change: c.3599-7T>A on transcript NM_001035.3 (MANE Select); 7 bases into the intron before coding-DNA position 3599, T replaced by A.
Molecular consequence: intron variant.
Genome position (GRCh38, 1-based): chr1:237,589,786, T>A. VCF-style: chr1-237589786-T-A. GRCh37 (hg19) VCF-style: chr1-237753086-T-A.
Identifiers: ClinVar variation 1332293 (VCV001332293.2), dbSNP rs2148430249, ClinGen allele CA2573051527.
Genomic context (GRCh38, chr1:237,589,786, plus strand): 5'-TGATAATTCTATACTAACAGGATCATATACTAATGGTACTAAAACTTGATTTTTTTTTTC[T>A]TCCCAGGATTCATACCTGTGTGTAGCCTTGGAGTGGCTCAAGTGGGTAGGATGAACTTTG-3'

ClinVar aggregate classification (germline): Uncertain significance (1 of 4 stars; one submission).

Conditions:
Cardiomyopathy (CMYO). Also called: Cardiomyopathies. Identifiers: Orphanet 167848, MedGen C0878544, MONDO:0004994, HP:0001638. Inheritance: Various modes of inheritance.

Submission:

Color Diagnostics, LLC DBA Color Health
Classification: Uncertain significance for Cardiomyopathy. Last evaluated: 2021-02-12. Review status: criteria provided, single submitter. Criteria: ACMG Guidelines, 2015. Collection method: clinical testing. Allele origin: germline.
Comment: This variant causes a T to A nucleotide substitution at the -7 position of intron 29 of the RYR2 gene. Splice prediction tools and conservation analysis are inconclusive regarding the impact of this variant on RNA splicing. To our knowledge, functional studies have not been reported for this variant. This variant has not been reported in individuals affected with cardiovascular disorders in the literature. This variant has not been identified in the general population by the Genome Aggregation Database (gnomAD). The available evidence is insufficient to determine the role of this variant in disease conclusively. Therefore, this variant is classified as a Variant of Uncertain Significance.